The following is an entry in ClinVar:

NM_000531.6(OTC):c.217-2dup

Gene: OTC (ornithine transcarbamylase; plus strand). Cytogenetic location: Xp11.4.
Variant type: Duplication.
Coding change: c.217-2dup on transcript NM_000531.6 (MANE Select); the canonical splice acceptor site of the intron before coding-DNA position 217, one base duplicated (A; older notation c.217-2dupA).
Molecular consequence: splice acceptor variant.
Genome position (GRCh38, 1-based): chrX:38,369,794, A duplicated. VCF-style (leftmost placement, unchanged base first): chrX-38369793-T-TA. GRCh37 (hg19) VCF-style: chrX-38229046-T-TA.
Other names: c.217-2dup (NM_001407092.1).
Identifiers: ClinVar variation 203869 (VCV000203869.1), dbSNP rs796052015, ClinGen allele CA312802.

ClinVar aggregate classification (germline): Pathogenic (1 of 4 stars; one submission).

Submission:

GeneDx
Classification: Pathogenic. Last evaluated: 2013-11-13. Review status: criteria provided, single submitter. Criteria: GeneDx Variant Classification (06012015). Collection method: clinical testing. Allele origin: germline. Affected: yes.
Comment: This variant is denoted as c.217-2dupA, the normal sequence with the base that is duplicated in braces is: atttat{a}gTATTTG with the intronic bases in lower case and the exonic bases in upper case. The c.217-2dupA the splice site mutation in the OTC gene destroys the canonical splice acceptor site in intron 2. It is predicted to cause abnormal gene splicing, either leading to an abnormal message that is subject to nonsense-mediated mRNA decay, or to an abnormal protein product if the message is used for protein translation. The variant is found in OTC panel(s).